The following is an entry in ClinVar:

NM_003108.4(SOX11):c.1193_1197del (p.Asp398fs)

Gene: SOX11 (SRY-box transcription factor 11; plus strand). Cytogenetic location: 2p25.2.
Variant type: Deletion.
Coding change: c.1193_1197del on transcript NM_003108.4 (MANE Select); coding-DNA positions 1193 to 1197, 5 bases deleted (ATTTG; older notation c.1193_1197delATTTG).
Protein change: p.Asp398fs; shifts the reading frame from aspartic acid 398.
Molecular consequence: frameshift variant.
Genome position (GRCh38, 1-based): chr2:5,693,914-5,693,918, ATTTG deleted; deleting any 5 consecutive bases within chr2:5,693,913-5,693,918 gives the same sequence; the c. name uses the placement nearest the transcript's 3' end. VCF-style (leftmost placement, unchanged base first): chr2-5693912-GGATTT-G. GRCh37 (hg19) VCF-style: chr2-5834044-GGATTT-G.
Other names: short protein forms D398fs.
Identifiers: ClinVar variation 4631848 (VCV004631848.1).
Genomic context (GRCh38, chr2:5,693,912, plus strand): 5'-CGAGCAGCAGCTGGGGGGCGGCGCGGCGGCCGGGAACCTGTCCCTGTCGCTGGTGGATAA[GGATTT>G]GGATTCGTTCAGCGAGGGCAGCCTGGGCTCCCACTTCGAGTTCCCCGACTACTGCACGCC-3'

ClinVar aggregate classification (germline): Likely pathogenic (1 of 4 stars; one submission).

Conditions:
Inborn genetic diseases. Identifiers: MedGen C0950123, MeSH D030342.

Submission:

Ambry Genetics
Classification: Likely pathogenic for Inborn genetic diseases. Last evaluated: 2025-10-21. Review status: criteria provided, single submitter. Criteria: Ambry Variant Classification Scheme 2023. Collection method: clinical testing. Allele origin: germline.
Comment: The c.1193_1197delATTTG (p.D398Gfs*102) alteration, located in exon 1 (coding exon 1) of the SOX11 gene, consists of a deletion of 5 nucleotides from position 1193 to 1197, causing a translational frameshift with a predicted alternate stop codon after 102 amino acids. This alteration occurs at the 3' terminus of the SOX11 gene, is not expected to trigger nonsense-mediated mRNA decay and results in the elongation of the protein by 59 amino acids. This frameshift impacts the last 10% of the native protein. However, frameshifts are typically deleterious in nature and a significant portion of the protein is affected (Ambry internal data). This variant was not reported in population-based cohorts in the Genome Aggregation Database (gnomAD). Based on the available evidence, this alteration is classified as likely pathogenic.